The following is an entry in ClinVar:

NM_004526.4(MCM2):c.395G>A (p.Arg132His)

Gene: MCM2 (minichromosome maintenance complex component 2; plus strand). Cytogenetic location: 3q21.3.
Variant type: single nucleotide variant.
Coding change: c.395G>A on transcript NM_004526.4 (MANE Select); coding-DNA position 395, G replaced by A.
Protein change: p.Arg132His; replaces arginine 132 with histidine.
Molecular consequence: missense variant. On other transcripts: non-coding transcript variant (1).
Genome position (GRCh38, 1-based): chr3:127,604,766, G>A. VCF-style: chr3-127604766-G-A. GRCh37 (hg19) VCF-style: chr3-127323609-G-A.
Other names: short protein forms R132H.
Identifiers: ClinVar variation 3358269 (VCV003358269.1).

ClinVar aggregate classification (germline): Uncertain significance (0 of 4 stars; one submission).

Conditions:
MCM2-related disorder. Also called: MCM2-related condition.

gnomAD v4.1: 29 of 1,596,086 alleles (0.0018%); highest among the groups gnomAD compares: Non-Finnish European, 0.0024%; no homozygotes.

Submission:

PreventionGenetics, part of Exact Sciences
Classification: Uncertain significance for MCM2-related condition. Last evaluated: 2024-09-06. Review status: no assertion criteria provided. Collection method: clinical testing. Allele origin: germline.
Comment: The MCM2 c.395G>A variant is predicted to result in the amino acid substitution p.Arg132His. This variant was reported in an individual with sensorineural hearing loss (Supplementary File 2, Florentine et al. 2022. PubMed ID: 34515852). This variant is reported in 0.0045% of alleles in individuals of African descent in gnomAD. At this time, the clinical significance of this variant is uncertain due to the absence of conclusive functional and genetic evidence.